The following is an entry in ClinVar:

ClinVar aggregate classification (germline): Benign/Likely benign. Review status: criteria provided, multiple submitters, no conflicts (2 of 4 stars). 3 submissions from 3 submitters: Benign (1); Likely benign (2). Last evaluated 2024-09-19.

Conditions:
Hereditary cancer-predisposing syndrome. Also called: Tumor predisposition; Hereditary Cancer Syndrome; Hereditary neoplastic syndrome; Neoplastic Syndromes, Hereditary. Identifiers: Orphanet 140162, MedGen C0027672, MeSH D009386, MONDO:0015356.
Hereditary diffuse gastric adenocarcinoma (HDGC). Also called: DIFFUSE GASTRIC AND LOBULAR BREAST CANCER SYNDROME. Identifiers: Orphanet 26106, MedGen C1708349, MONDO:0007648, OMIM 137215.

Submissions (3):

Myriad Genetics, Inc.
Classification: Benign for Hereditary diffuse gastric adenocarcinoma. Last evaluated: 2024-09-19. Review status: criteria provided, single submitter. Criteria: Myriad Autosomal Dominant, Autosomal Recessive and X-Linked Classification Criteria (2023). Collection method: clinical testing. Allele origin: unknown.
Comment: This variant is considered benign. This variant is a silent/synonymous amino acid change and it is not expected to impact splicing.

Labcorp Genetics (formerly Invitae), Labcorp
Classification: Likely benign for Hereditary diffuse gastric adenocarcinoma. Last evaluated: 2019-10-01. Review status: criteria provided, single submitter. Criteria: Invitae Variant Classification Sherloc (09022015). Collection method: clinical testing. Allele origin: germline.

Ambry Genetics
Classification: Likely benign for Hereditary cancer-predisposing syndrome. Last evaluated: 2016-01-25. Review status: criteria provided, single submitter. Criteria: Ambry Variant Classification Scheme 2023. Collection method: clinical testing. Allele origin: germline.

NM_004360.5(CDH1):c.1590C>T (p.Ala530=)

Gene: CDH1 (cadherin 1; plus strand). Cytogenetic location: 16q22.1.
Variant type: single nucleotide variant.
Coding change: c.1590C>T on transcript NM_004360.5 (MANE Select); coding-DNA position 1590, C replaced by T.
Protein change: p.Ala530=; no amino-acid change (alanine 530 retained).
Molecular consequence: synonymous variant. On other transcripts: intron variant (1).
Genome position (GRCh38, 1-based): chr16:68,819,304, C>T. VCF-style: chr16-68819304-C-T. GRCh37 (hg19) VCF-style: chr16-68853207-C-T.
Other names: c.1590C>T (LRG_301t1); c.1407C>T, p.Ala469= (NM_001317184.2); c.42C>T, p.Ala14= (NM_001317185.2); c.-254-2697C>T (NM_001317186.2).
Identifiers: ClinVar variation 184940 (VCV000184940.15), dbSNP rs786201805, ClinGen allele CA190534.
Genomic context (GRCh38, chr16:68,819,304, plus strand): 5'-GTCCTATTCTAAAAGCCAGAGCTTGTCCCCGTTCAGATATCGGATTTGGAGAGACACTGC[C>T]AACTGGCTGGAGATTAATCCGGACACTGGTGCCATTTCCACTCGGGCTGAGCTGGACAGG-3'
Protein context (NP_004351.1, residues 520-540): KITYRIWRDT[Ala530=]NWLEINPDTG